The following is an entry in ClinVar:

NM_030948.6(PHACTR1):c.-47+1del

Gene: PHACTR1 (phosphatase and actin regulator 1; plus strand). Cytogenetic location: 6p24.1.
Variant type: Deletion.
Coding change: c.-47+1del on transcript NM_030948.6 (MANE Select); the canonical splice donor site of the intron after 47 bases upstream of the start codon, one base deleted (G; older notation c.-47+1delG).
Molecular consequence: splice donor variant. On other transcripts: intron variant (4).
Genome position (GRCh38, 1-based): chr6:12,717,744, G deleted. VCF-style (leftmost placement, unchanged base first): chr6-12717743-AG-A. GRCh37 (hg19) VCF-style: chr6-12717975-AG-A.
Other names: c.-47+191del (NM_001242648.4, NM_001374582.1); c.-47+848del (NM_001374581.2, NM_001322308.3); c.-47+1del (NM_001374584.1).
Identifiers: ClinVar variation 4755882 (VCV004755882.1).

ClinVar aggregate classification (germline): Uncertain significance (1 of 4 stars; one submission).

Submission:

GeneDx
Classification: Uncertain significance. Last evaluated: 2025-08-05. Review status: criteria provided, single submitter. Criteria: GeneDx Variant Classification Process June 2021. Collection method: clinical testing. Allele origin: germline. Affected: yes.
Comment: In silico analysis supports a deleterious effect on splicing; Has not been previously published as pathogenic or benign to our knowledge; No data available from control populations to assess the frequency of this variant; Located in a regulatory region; in the absence of functional studies, the actual effect of this sequence change is unknown